The following is an entry in ClinVar:

ClinVar aggregate classification (germline): Uncertain significance. Review status: criteria provided, multiple submitters, no conflicts (2 of 4 stars). 2 submissions from 2 submitters: Uncertain significance (2). Last evaluated 2025-08-12.

Allele frequency attached by ClinVar (database versions not stated): gnomAD exomes below 0.00001; TOPMed below 0.00001; ExAC 0.00001.
gnomAD v4.1: 5 of 1,611,876 alleles (0.00031%); highest among the groups gnomAD compares: East Asian, 0.0067%; no homozygotes.

Submissions (2):

Ambry Genetics
Classification: Uncertain significance. Last evaluated: 2025-08-12. Review status: criteria provided, single submitter. Criteria: Ambry Variant Classification Scheme 2023. Collection method: clinical testing. Allele origin: germline.

Labcorp Genetics (formerly Invitae), Labcorp
Classification: Uncertain significance. Last evaluated: 2022-02-23. Review status: criteria provided, single submitter. Criteria: Invitae Variant Classification Sherloc (09022015). Collection method: clinical testing. Allele origin: germline.
Comment: This variant is present in population databases (rs761145583, gnomAD 0.006%). This sequence change replaces serine, which is neutral and polar, with cysteine, which is neutral and slightly polar, at codon 2 of the SAMD11 protein (p.Ser2Cys). This variant has not been reported in the literature in individuals affected with SAMD11-related conditions. Algorithms developed to predict the effect of missense changes on protein structure and function are either unavailable or do not agree on the potential impact of this missense change (SIFT: "Deleterious"; PolyPhen-2: "Probably Damaging"; Align-GVGD: "Class C0"). In summary, the available evidence is currently insufficient to determine the role of this variant in disease. Therefore, it has been classified as a Variant of Uncertain Significance.

NM_001385641.1(SAMD11):c.542C>G (p.Ser181Cys)

Gene: SAMD11 (sterile alpha motif domain containing 11; plus strand). Cytogenetic location: 1p36.33.
Variant type: single nucleotide variant.
Coding change: c.542C>G on transcript NM_001385641.1 (MANE Select); coding-DNA position 542, C replaced by G.
Protein change: p.Ser181Cys; replaces serine 181 with cysteine.
Molecular consequence: missense variant.
Genome position (GRCh38, 1-based): chr1:925,946, C>G. VCF-style: chr1-925946-C-G. GRCh37 (hg19) VCF-style: chr1-861326-C-G.
Other names: c.542C>G, p.Ser181Cys (NM_001385640.1); c.5C>G, p.Ser2Cys (NM_152486.4); c.5C>G (NM_152486.2); short protein forms S181C, S2C.
Identifiers: ClinVar variation 1924157 (VCV001924157.6), dbSNP rs761145583, ClinGen allele CA502379.
Genomic context (GRCh38, chr1:925,946, plus strand): 5'-GCTCCCTCACAGGGTCTGCCTCGGCTCTGCTCGCAGGGAAAAGTCTGAAGACGCTTATGT[C>G]CAAGGGGATCCTGCAGGTGCATCCTCCGATCTGCGACTGCCCGGGCTGCCGAATATCCTC-3'
Protein context (NP_001372570.1, residues 171-191): HKGKSLKTLM[Ser181Cys]KGILQVHPPI